The following is an entry in ClinVar:

NM_001152.5(SLC25A5):c.450T>G (p.Ala150=)

Gene: SLC25A5 (solute carrier family 25 member 5; plus strand). Cytogenetic location: Xq24.
Variant type: single nucleotide variant.
Coding change: c.450T>G on transcript NM_001152.5 (MANE Select); coding-DNA position 450, T replaced by G.
Protein change: p.Ala150=; no amino-acid change (alanine 150 retained).
Molecular consequence: synonymous variant.
Genome position (GRCh38, 1-based): chrX:119,469,999, T>G. VCF-style: chrX-119469999-T-G. GRCh37 (hg19) VCF-style: chrX-118603962-T-G.
Identifiers: ClinVar variation 3234443 (VCV003234443.20), dbSNP rs2521435467, ClinGen allele CA518452624.

ClinVar aggregate classification (germline): Likely benign (1 of 4 stars; one submission).

Submission:

CeGaT Center for Human Genetics Tuebingen
Classification: Likely benign. Last evaluated: 2024-04-01. Review status: criteria provided, single submitter. Criteria: CeGaT Center For Human Genetics Tuebingen Variant Classification Criteria Version 2. Collection method: clinical testing. Allele origin: germline. Affected: yes. Observed: 1 variant allele.
Comment: SLC25A5: PM2:Supporting, BP4, BP7